The following is an entry in ClinVar:

ClinVar aggregate classification (germline): Conflicting classifications of pathogenicity. Review status: criteria provided, conflicting classifications (1 of 4 stars). 2 submissions from 2 submitters: Likely pathogenic (1); Uncertain significance (1). Last evaluated 2020-02-04.

Conditions:
Inborn genetic diseases. Identifiers: MedGen C0950123, MeSH D030342.

Submissions (2):

GeneDx
Classification: Likely pathogenic. Last evaluated: 2020-02-04. Review status: criteria provided, single submitter. Criteria: GeneDx Variant Classification Process June 2021. Collection method: clinical testing. Allele origin: germline. Affected: yes.
Comment: Not observed in large population cohorts (Lek et al., 2016); In silico analysis, which includes protein predictors and evolutionary conservation, supports a deleterious effect; Has not been previously published as pathogenic or benign to our knowledge

Ambry Genetics
Classification: Uncertain significance for Inborn genetic diseases. Last evaluated: 2016-08-03. Review status: criteria provided, single submitter. Criteria: Ambry exome assertion method (8-5-2015). Collection method: clinical testing. Allele origin: germline. Affected: yes. Observed: 1 variant allele.

NM_007325.5(GRIA3):c.2321T>C (p.Leu774Ser)

Gene: GRIA3 (glutamate ionotropic receptor AMPA type subunit 3; plus strand). Cytogenetic location: Xq25.
Variant type: single nucleotide variant.
Coding change: c.2321T>C on transcript NM_007325.5 (MANE Select); coding-DNA position 2321, T replaced by C.
Protein change: p.Leu774Ser; replaces leucine 774 with serine.
Molecular consequence: missense variant.
Genome position (GRCh38, 1-based): chrX:123,465,109, T>C. VCF-style: chrX-123465109-T-C. GRCh37 (hg19) VCF-style: chrX-122598960-T-C.
Other names: c.2321T>C, p.Leu774Ser (NM_000828.5); short protein forms L774S.
Identifiers: ClinVar variation 521132 (VCV000521132.6), dbSNP rs1556334045, ClinGen allele CA414265750.
Genomic context (GRCh38, chrX:123,465,109, plus strand): 5'-AAGTTGGTGGAAATCTGGATTCCAAAGGCTATGGTGTGGCAACCCCTAAAGGCTCAGCAT[T>C]AAGGTGGGTGGAATAATATAACAATATCCGTGTTGTTATAGTATTCCACCTACCCTGATG-3'
Protein context (NP_015564.5, residues 764-784): YGVATPKGSA[Leu774Ser]RTPVNLAVLK